The following is an entry in ClinVar:

ClinVar aggregate classification (germline): Uncertain significance. Review status: criteria provided, multiple submitters, no conflicts (2 of 4 stars). 2 submissions from 2 submitters: Uncertain significance (2). Last evaluated 2025-01-17.

Conditions:
Mitochondrial complex II deficiency, nuclear type 1. Also called: SUCCINATE CoQ REDUCTASE DEFICIENCY. Identifiers: Orphanet 3208, MedGen C5700310, MONDO:0100294, OMIM 252011.
Pheochromocytoma/paraganglioma syndrome 5. Also called: Paragangliomas 5; SDHA-Related Hereditary Paraganglioma-Pheochromocytoma Syndrome. Identifiers: Orphanet 29072, MedGen C3279992, MONDO:0013602, OMIM 614165.
Hereditary cancer-predisposing syndrome. Also called: Neoplastic Syndromes, Hereditary; Tumor predisposition; Hereditary Cancer Syndrome; Hereditary neoplastic syndrome. Identifiers: Orphanet 140162, MedGen C0027672, MeSH D009386, MONDO:0015356.

Allele frequency attached by ClinVar (database versions not stated): gnomAD exomes 0.00001.
gnomAD v4.1: 10 of 1,613,824 alleles (0.00062%); highest among the groups gnomAD compares: Non-Finnish European, 0.00085%; no homozygotes.

Submissions (2):

Ambry Genetics
Classification: Uncertain significance for Hereditary cancer-predisposing syndrome. Last evaluated: 2025-01-17. Review status: criteria provided, single submitter. Criteria: Ambry Variant Classification Scheme 2023. Collection method: clinical testing. Allele origin: germline.
Comment: The p.Q569R variant (also known as c.1706A>G), located in coding exon 13 of the SDHA gene, results from an A to G substitution at nucleotide position 1706. The glutamine at codon 569 is replaced by arginine, an amino acid with highly similar properties. This amino acid position is highly conserved in available vertebrate species. In addition, the in silico prediction for this alteration is inconclusive. Based on the available evidence, the clinical significance of this variant remains unclear.

Labcorp Genetics (formerly Invitae), Labcorp
Classification: Uncertain significance for Pheochromocytoma/paraganglioma syndrome 5; Mitochondrial complex II deficiency, nuclear type 1. Last evaluated: 2023-10-08. Review status: criteria provided, single submitter. Criteria: Invitae Variant Classification Sherloc (09022015). Collection method: clinical testing. Allele origin: germline.
Comment: This sequence change replaces glutamine, which is neutral and polar, with arginine, which is basic and polar, at codon 569 of the SDHA protein (p.Gln569Arg). This variant is present in population databases (no rsID available, gnomAD 0.002%). This variant has not been reported in the literature in individuals affected with SDHA-related conditions. Advanced modeling of protein sequence and biophysical properties (such as structural, functional, and spatial information, amino acid conservation, physicochemical variation, residue mobility, and thermodynamic stability) performed at Invitae indicates that this missense variant is not expected to disrupt SDHA protein function. In summary, the available evidence is currently insufficient to determine the role of this variant in disease. Therefore, it has been classified as a Variant of Uncertain Significance.

NM_004168.4(SDHA):c.1706A>G (p.Gln569Arg)

Gene: SDHA (succinate dehydrogenase complex flavoprotein subunit A; plus strand). Cytogenetic location: 5p15.33.
Variant type: single nucleotide variant.
Coding change: c.1706A>G on transcript NM_004168.4 (MANE Select); coding-DNA position 1706, A replaced by G.
Protein change: p.Gln569Arg; replaces glutamine 569 with arginine.
Molecular consequence: missense variant. On other transcripts: intron variant (1).
Genome position (GRCh38, 1-based): chr5:251,380, A>G. VCF-style: chr5-251380-A-G. GRCh37 (hg19) VCF-style: chr5-251495-A-G.
Other names: c.1706A>G (NM_004168.2); c.1562A>G, p.Gln521Arg (NM_001294332.2); c.1552-3013A>G (NM_001330758.2); short protein forms Q521R, Q569R.
Identifiers: ClinVar variation 2933603 (VCV002933603.4), dbSNP rs1159670475, ClinGen allele CA359000031.